The following is an entry in ClinVar:

ClinVar aggregate classification (germline): Uncertain significance (1 of 4 stars; one submission).

gnomAD v4.1: 3 of 1,614,180 alleles (0.00019%); highest among the groups gnomAD compares: Admixed American, 0.0017%; no homozygotes.

Submission:

Labcorp Genetics (formerly Invitae), Labcorp
Classification: Uncertain significance. Last evaluated: 2023-03-31. Review status: criteria provided, single submitter. Criteria: Invitae Variant Classification Sherloc (09022015). Collection method: clinical testing. Allele origin: germline.
Comment: This sequence change replaces glutamic acid, which is acidic and polar, with aspartic acid, which is acidic and polar, at codon 1549 of the ADCY10 protein (p.Glu1549Asp). This variant is present in population databases (no rsID available, gnomAD 0.003%). This variant has not been reported in the literature in individuals affected with ADCY10-related conditions. An algorithm developed to predict the effect of missense changes on protein structure and function (PolyPhen-2) suggests that this variant is likely to be disruptive. In summary, the available evidence is currently insufficient to determine the role of this variant in disease. Therefore, it has been classified as a Variant of Uncertain Significance.

NM_018417.6(ADCY10):c.4647G>T (p.Glu1549Asp)

Gene: ADCY10 (adenylate cyclase 10; minus strand). Cytogenetic location: 1q24.2.
Variant type: single nucleotide variant.
Coding change: c.4647G>T on transcript NM_018417.6 (MANE Select); coding-DNA position 4647, G replaced by T.
Protein change: p.Glu1549Asp; replaces glutamic acid 1549 with aspartic acid.
Molecular consequence: missense variant.
Genome position (GRCh38, 1-based): chr1:167,810,749, C>A on the plus strand (G>T on the coding strand, the complement: ADCY10 is on the minus strand). VCF-style: chr1-167810749-C-A. GRCh37 (hg19) VCF-style: chr1-167779986-C-A.
Other names: c.4188G>T, p.Glu1396Asp (NM_001167749.3); c.4371G>T, p.Glu1457Asp (NM_001297772.2); short protein forms E1457D, E1396D, E1549D.
Identifiers: ClinVar variation 2726065 (VCV002726065.3), dbSNP rs1332731500, ClinGen allele CA343092937.